The following is an entry in ClinVar:

NM_020207.7(ERCC6L2):c.494T>C (p.Val165Ala)

Gene: ERCC6L2 (ERCC excision repair 6 like 2; plus strand). Cytogenetic location: 9q22.32.
Variant type: single nucleotide variant.
Coding change: c.494T>C on transcript NM_020207.7 (MANE Select); coding-DNA position 494, T replaced by C.
Protein change: p.Val165Ala; replaces valine 165 with alanine.
Molecular consequence: missense variant. On other transcripts: non-coding transcript variant (1).
Genome position (GRCh38, 1-based): chr9:95,897,871, T>C. VCF-style: chr9-95897871-T-C. GRCh37 (hg19) VCF-style: chr9-98660153-T-C.
Other names: c.494T>C, p.Val165Ala (NM_001010895.4, NM_001375291.1, NM_001375292.1 and 2 more transcripts); short protein forms V165A.
Identifiers: ClinVar variation 1449414 (VCV001449414.9), dbSNP rs2132606990, ClinGen allele CA374119885.

ClinVar aggregate classification (germline): Uncertain significance. Review status: criteria provided, multiple submitters, no conflicts (2 of 4 stars). 2 submissions from 2 submitters: Uncertain significance (2). Last evaluated 2025-06-18.

Conditions:
Inborn genetic diseases. Identifiers: MedGen C0950123, MeSH D030342.

Allele frequency attached by ClinVar (database versions not stated): gnomAD exomes below 0.00001.
gnomAD v4.1: 2 of 1,612,942 alleles (0.00012%); highest among the groups gnomAD compares: Non-Finnish European, 0.00017%; no homozygotes.

Submissions (2):

Ambry Genetics
Classification: Uncertain significance for Inborn genetic diseases. Last evaluated: 2025-06-18. Review status: criteria provided, single submitter. Criteria: Ambry Variant Classification Scheme 2023. Collection method: clinical testing. Allele origin: germline.
Comment: The p.V165A variant (also known as c.494T>C), located in coding exon 3 of the ERCC6L2 gene, results from a T to C substitution at nucleotide position 494. The valine at codon 165 is replaced by alanine, an amino acid with similar properties. This amino acid position is conserved. In addition, the in silico prediction for this alteration is inconclusive. Based on the available evidence, the clinical significance of this variant remains unclear.

Labcorp Genetics (formerly Invitae), Labcorp
Classification: Uncertain significance. Last evaluated: 2023-05-08. Review status: criteria provided, single submitter. Criteria: Invitae Variant Classification Sherloc (09022015). Collection method: clinical testing. Allele origin: germline.
Comment: This sequence change replaces valine, which is neutral and non-polar, with alanine, which is neutral and non-polar, at codon 176 of the ERCC6L2 protein (p.Val176Ala). In summary, the available evidence is currently insufficient to determine the role of this variant in disease. Therefore, it has been classified as a Variant of Uncertain Significance. Experimental studies and prediction algorithms are not available or were not evaluated, and the functional significance of this variant is currently unknown. ClinVar contains an entry for this variant (Variation ID: 1449414). This variant has not been reported in the literature in individuals affected with ERCC6L2-related conditions. This variant is not present in population databases (gnomAD no frequency).